The following is an entry in ClinVar:

ClinVar aggregate classification (germline): Benign/Likely benign. Review status: criteria provided, multiple submitters, no conflicts (2 of 4 stars). 2 submissions from 2 submitters: Benign (1); Likely benign (1). Last evaluated 2024-11-01.

Conditions:
Multiple endocrine neoplasia, type 1 (MEN1). Also called: MEA I; Endocrine adenomatosis multiple; MEN 1; MEN I; WERMER SYNDROME. Identifiers: Orphanet 652, MedGen C0025267, MeSH D018761, MONDO:0007540, OMIM 131100.

Submissions (2):

Myriad Genetics, Inc.
Classification: Benign for Multiple endocrine neoplasia, type 1. Last evaluated: 2024-11-01. Review status: criteria provided, single submitter. Criteria: Myriad Autosomal Dominant, Autosomal Recessive and X-Linked Classification Criteria (2023). Collection method: clinical testing. Allele origin: unknown.
Comment: This variant is considered benign. This variant is a silent/synonymous amino acid change and it is not expected to impact splicing.

Labcorp Genetics (formerly Invitae), Labcorp
Classification: Likely benign for Multiple endocrine neoplasia, type 1. Last evaluated: 2022-04-13. Review status: criteria provided, single submitter. Criteria: Invitae Variant Classification Sherloc (09022015). Collection method: clinical testing. Allele origin: germline.

NM_001370259.2(MEN1):c.417C>T (p.His139=)

Gene: MEN1 (menin 1; minus strand). Cytogenetic location: 11q13.1.
Variant type: single nucleotide variant.
Coding change: c.417C>T on transcript NM_001370259.2 (MANE Select); coding-DNA position 417, C replaced by T.
Protein change: p.His139=; no amino-acid change (histidine 139 retained).
Molecular consequence: synonymous variant. On other transcripts: non-coding transcript variant (4).
Genome position (GRCh38, 1-based): chr11:64,809,693, G>A on the plus strand (C>T on the coding strand, the complement: MEN1 is on the minus strand). VCF-style: chr11-64809693-G-A. GRCh37 (hg19) VCF-style: chr11-64577165-G-A.
Other names: c.417C>T, p.His139= (NM_000244.4, NM_001370251.2, NM_001370260.2 and 20 more transcripts).
Identifiers: ClinVar variation 2154454 (VCV002154454.5), dbSNP rs386134254, ClinGen allele CA474983882.